The following is an entry in ClinVar:

ClinVar aggregate classification (germline): Likely benign (1 of 4 stars; one submission).

Conditions:
MELAS syndrome (MELAS). Also called: Juvenile myopathy, encephalopathy, lactic acidosis, stroke. Identifiers: Orphanet 550, MedGen C0162671, MONDO:0010789, OMIM 540000.

Submission:

Wong Mito Lab, Molecular and Human Genetics, Baylor College of Medicine
Classification: Likely benign for MELAS syndrome. Last evaluated: 2019-07-12. Review status: criteria provided, single submitter. Criteria: Modified ACMG Guidelines (Unpublished). Collection method: clinical testing. Allele origin: germline.
Comment: The NC_012920.1:m.5807A>G variant in MT-TC gene is interpreted to be a Likely Benign variant based on the modified ACMG guidelines (unpublished). This variant meets the following evidence codes reported in the guidelines: BS4, BP4

Literature cited by the submitters: PubMed 31965079.

NC_012920.1(MT-TC):m.5807A>G

Gene: MT-TC (mitochondrially encoded tRNA cysteine; minus strand).
Variant type: single nucleotide variant.
Genome position: chrM-5807-A-G.
Identifiers: ClinVar variation 689999 (VCV000689999.1), dbSNP rs386828978, ClinGen allele CA337097243.
Genomic context (GRCh38, chrMT:5,807, plus strand): 5'-AAAAAAGGCGGGAGAAGCCCCGGCAGGTTTGAAGCTGCTTCTTCGAATTTGCAATTCAAT[A>G]TGAAAATCACCTCGGAGCTGGTAAAAAGAGGCCTAACCCCTGTCTTTAGATTTACAGTCC-3'